The following is an entry in ClinVar:

NM_025114.4(CEP290):c.3573+1G>A

Gene: CEP290 (centrosomal protein 290; minus strand). Cytogenetic location: 12q21.32.
Variant type: single nucleotide variant.
Coding change: c.3573+1G>A on transcript NM_025114.4 (MANE Select); the canonical splice donor site of the intron after coding-DNA position 3573, G replaced by A.
Molecular consequence: splice donor variant.
Genome position (GRCh38, 1-based): chr12:88,090,727, C>T on the plus strand (G>A on the coding strand, the complement: CEP290 is on the minus strand). VCF-style: chr12-88090727-C-T. GRCh37 (hg19) VCF-style: chr12-88484504-C-T.
Identifiers: ClinVar variation 2952406 (VCV002952406.3), dbSNP rs1339320666, ClinGen allele CA386001544.

ClinVar aggregate classification (germline): Pathogenic (1 of 4 stars; one submission).

Conditions:
Joubert syndrome. Also called: CEREBELLOPARENCHYMAL DISORDER IV; JOUBERT-BOLTSHAUSER SYNDROME; Familial aplasia of the vermis. Identifiers: Orphanet 475, MedGen C5979921, MONDO:0018772.
Nephronophthisis. Also called: Juvenile Nephronophthisis. Identifiers: Orphanet 655, MedGen C0687120, MONDO:0019005, HP:0000090.
Meckel-Gruber syndrome. Also called: DYSENCEPHALIA SPLANCHNOCYSTICA; GRUBER SYNDROME; Dysencephalia splachnocystica. Identifiers: Orphanet 564, MedGen C0265215, MONDO:0018921.

Submission:

Labcorp Genetics (formerly Invitae), Labcorp
Classification: Pathogenic for Joubert syndrome; Meckel-Gruber syndrome; Nephronophthisis. Last evaluated: 2025-01-27. Review status: criteria provided, single submitter. Criteria: Invitae Variant Classification Sherloc (09022015). Collection method: clinical testing. Allele origin: germline.
Comment: This sequence change affects a donor splice site in intron 30 of the CEP290 gene. It is expected to disrupt RNA splicing. Variants that disrupt the donor or acceptor splice site typically lead to a loss of protein function (PMID: 16199547), and loss-of-function variants in CEP290 are known to be pathogenic (PMID: 16909394, 17345604, 20690115). This variant is not present in population databases (gnomAD no frequency). Disruption of this splice site has been observed in individuals with clinical features of CEP290-related conditions (PMID: 26673778; internal data). ClinVar contains an entry for this variant (Variation ID: 2952406). Algorithms developed to predict the effect of sequence changes on RNA splicing suggest that this variant may disrupt the consensus splice site. For these reasons, this variant has been classified as Pathogenic.

Literature cited by the submitters: PubMed 16199547; PubMed 16909394; PubMed 17345604; PubMed 20690115; PubMed 26673778.